The following is an entry in ClinVar:

ClinVar aggregate classification (germline): Likely benign. Review status: criteria provided, multiple submitters, no conflicts (2 of 4 stars). 2 submissions from 2 submitters: Likely benign (2). Last evaluated 2025-04-01.

Conditions:
Inborn genetic diseases. Identifiers: MedGen C0950123, MeSH D030342.

gnomAD v4.1: 29 of 1,210,947 alleles (0.0024%); highest among the groups gnomAD compares: Middle Eastern, 0.023%; no homozygotes.

Submissions (2):

Ambry Genetics
Classification: Likely benign for Inborn genetic diseases. Last evaluated: 2025-04-01. Review status: criteria provided, single submitter. Criteria: Ambry Variant Classification Scheme 2023. Collection method: clinical testing. Allele origin: germline.

CeGaT Center for Human Genetics Tuebingen
Classification: Likely benign. Last evaluated: 2024-07-01. Review status: criteria provided, single submitter. Criteria: CeGaT Center For Human Genetics Tuebingen Variant Classification Criteria Version 2. Collection method: clinical testing. Allele origin: germline. Affected: yes. Observed: 1 variant allele.
Comment: SYP: BP4, BP7, BS2

NM_003179.3(SYP):c.438G>A (p.Thr146=)

Genes: SYP (synaptophysin; minus strand), LOC119407421 (CRISPRi-FlowFISH-validated PLP2 regulatory element 13; plus strand). Cytogenetic location: Xp11.23.
Variant type: single nucleotide variant.
Coding change: c.438G>A on transcript NM_003179.3 (MANE Select); coding-DNA position 438, G replaced by A.
Protein change: p.Thr146=; no amino-acid change (threonine 146 retained).
Molecular consequence: synonymous variant.
Genome position (GRCh38, 1-based): chrX:49,193,449, C>T on the plus strand (G>A on the coding strand, the complement: SYP is on the minus strand). VCF-style: chrX-49193449-C-T. GRCh37 (hg19) VCF-style: chrX-49049906-C-T.
Other names: c.438G>A (NM_003179.2).
Identifiers: ClinVar variation 3257692 (VCV003257692.17).